The following is an entry in ClinVar:

ClinVar aggregate classification (germline): Conflicting classifications of pathogenicity. Review status: criteria provided, conflicting classifications (1 of 4 stars). 3 submissions from 3 submitters: Pathogenic (1); Likely pathogenic (1); Uncertain significance (1). Last evaluated 2026-04-01.

Conditions:
Griscelli syndrome type 2 (GS2). Also called: GRISCELLI SYNDROME WITH HEMOPHAGOCYTIC SYNDROME; PAID SYNDROME; PARTIAL ALBINISM AND IMMUNODEFICIENCY SYNDROME. Identifiers: Orphanet 381, Orphanet 79477, MedGen C1868679, MONDO:0011872, OMIM 607624.
RAB27A-related disorder. Also called: RAB27A-related condition.
Primary ciliary dyskinesia. Also called: Ciliary dyskinesia. Identifiers: Orphanet 244, MedGen C0008780, MONDO:0016575, HP:0012265.

Allele frequency attached by ClinVar (database versions not stated): gnomAD 0.00002; gnomAD exomes 0.00002 and 0.00003; TOPMed 0.00002; ExAC 0.00003.
gnomAD v4.1: 43 of 1,612,436 alleles (0.0027%); highest among the groups gnomAD compares: Non-Finnish European, 0.0035%; no homozygotes.

Submissions (3):

Department of Human Genetics, Hannover Medical School
Classification: Uncertain significance for Primary Ciliary Dyskinesia. Last evaluated: 2026-04-01. Review status: criteria provided, single submitter. Criteria: ACMG Guidelines, 2015. Collection method: research. Allele origin: germline. Affected: no.
Comment: Classification performed by HerediClassify using the following criteria:['PM2_supporting: Variant occures does not occur as homozygous in gnomAD.', 'PP3_protein_strong: Variant is predicted to be pathogenic by REVEL with evidence strength strong.']

Labcorp Genetics (formerly Invitae), Labcorp
Classification: Pathogenic for Griscelli syndrome type 2. Last evaluated: 2026-01-12. Review status: criteria provided, single submitter. Criteria: Invitae Variant Classification Sherloc (09022015). Collection method: clinical testing. Allele origin: germline.
Comment: This sequence change replaces alanine, which is neutral and non-polar, with valine, which is neutral and non-polar, at codon 76 of the RAB27A protein (p.Ala76Val). This variant is present in population databases (rs766632505, gnomAD 0.004%). This missense change has been observed in individual(s) with clinical features of hemophagocytic lymphohistiocytosis (PMID: 25312756; internal data). In at least one individual the data is consistent with being in trans (on the opposite chromosome) from a pathogenic variant. ClinVar contains an entry for this variant (Variation ID: 1408103). Invitae Evidence Modeling of protein sequence and biophysical properties (such as structural, functional, and spatial information, amino acid conservation, physicochemical variation, residue mobility, and thermodynamic stability) indicates that this missense variant is expected to disrupt RAB27A protein function with a positive predictive value of 95%. Algorithms developed to predict the effect of sequence changes on RNA splicing suggest that this variant may disrupt the consensus splice site. For these reasons, this variant has been classified as Pathogenic.

Blueprint Genetics
Classification: Likely pathogenic for RAB27A-related disorders. Last evaluated: 2024-07-15. Review status: criteria provided, single submitter. Criteria: ACMG Guidelines, 2015. Collection method: clinical testing. Allele origin: germline. Affected: yes. Observed: 5 variant alleles.

Literature cited by the submitters: PubMed 25312756 (cited by Labcorp Genetics (formerly Invitae), Labcorp).

NM_183235.3(RAB27A):c.227C>T (p.Ala76Val)

Gene: RAB27A (RAB27A, member RAS oncogene family; minus strand). Cytogenetic location: 15q21.3.
Variant type: single nucleotide variant.
Coding change: c.227C>T on transcript NM_183235.3 (MANE Select); coding-DNA position 227, C replaced by T.
Protein change: p.Ala76Val; replaces alanine 76 with valine.
Molecular consequence: missense variant.
Genome position (GRCh38, 1-based): chr15:55,230,413, G>A on the plus strand (C>T on the coding strand, the complement: RAB27A is on the minus strand). VCF-style: chr15-55230413-G-A. GRCh37 (hg19) VCF-style: chr15-55522611-G-A.
Other names: c.227C>T, p.Ala76Val (NM_004580.5, NM_183234.3, NM_183236.3); short protein forms A76V.
Identifiers: ClinVar variation 1408103 (VCV001408103.8), dbSNP rs766632505, ClinGen allele CA7573662.
Genomic context (GRCh38, chr15:55,230,413, plus strand): 5'-ATTTTTCCCTTTCCTTCAGTAAGGAGCACATAACTGAAGATCTCATACCTCTCCTGCCCT[G>A]CTGTGTCCCATAACTGCAGGTGGATTCTCTGGCCTCTGCCAGTGGCTCCATCCGGCCCAC-3'
Protein context (NP_899058.1, residues 66-86): QRIHLQLWDT[Ala76Val]GQERFRSLTT